The following is an entry in ClinVar:

NM_020738.4(KIDINS220):c.802-5_802-3del

Gene: KIDINS220 (kinase D interacting substrate 220; minus strand). Cytogenetic location: 2p25.1.
Variant type: Microsatellite.
Coding change: c.802-5_802-3del on transcript NM_020738.4 (MANE Select); 5 bases into the intron before coding-DNA position 802 through 3 bases into the intron before coding-DNA position 802, 3 bases deleted (CTT; older notation c.802-5_802-3delCTT).
Molecular consequence: intron variant.
Genome position (GRCh38, 1-based): chr2:8,800,501-8,800,503, AAG deleted on the plus strand (CTT on the coding strand, the reverse complement: KIDINS220 is on the minus strand); deleting any 3 consecutive bases within chr2:8,800,501-8,800,507 gives the same sequence; the c. name uses the placement nearest the transcript's 3' end. VCF-style (leftmost placement, unchanged base first): chr2-8800500-TAAG-T. GRCh37 (hg19) VCF-style: chr2-8940630-TAAG-T.
Other names: c.802-5_802-3del (NM_001348741.2, NM_001348738.2, NM_001348742.2 and 3 more transcripts); c.805-5_805-3del (NM_001348739.2, NM_001348740.2, NM_001348734.2 and 3 more transcripts); c.676-5_676-3del (NM_001348736.2).
Identifiers: ClinVar variation 3356105 (VCV003356105.1).

ClinVar aggregate classification (germline): Likely benign (0 of 4 stars; one submission).

Conditions:
KIDINS220-related disorder. Also called: KIDINS220-related condition.

Submission:

PreventionGenetics, part of Exact Sciences
Classification: Likely benign for KIDINS220-related condition. Last evaluated: 2023-04-17. Review status: no assertion criteria provided. Collection method: clinical testing. Allele origin: germline.
Comment: This variant is classified as likely benign based on ACMG/AMP sequence variant interpretation guidelines (Richards et al. 2015 PMID: 25741868, with internal and published modifications).